The following is an entry in ClinVar:

NM_000213.5(ITGB4):c.5218+2T>C

Genes: GALK1 (galactokinase 1; minus strand), ITGB4 (integrin subunit beta 4; plus strand). Cytogenetic location: 17q25.1.
Variant type: single nucleotide variant.
Coding change: c.5218+2T>C on transcript NM_000213.5 (MANE Select); the canonical splice donor site of the intron after coding-DNA position 5218, T replaced by C.
Molecular consequence: splice donor variant. On other transcripts: intron variant (1).
Genome position (GRCh38, 1-based): chr17:75,757,109, T>C. VCF-style: chr17-75757109-T-C. GRCh37 (hg19) VCF-style: chr17-73753190-T-C.
Other names: c.5167+2T>C (NM_001005619.2); c.5008+2T>C (NM_001005731.3, NM_001321123.2); c.4858+2T>C (NM_001438834.1); c.*22+925A>G (NM_001381985.1).
Identifiers: ClinVar variation 552889 (VCV000552889.23), dbSNP rs780675808, ClinGen allele CA294085015.

ClinVar aggregate classification (germline): Likely pathogenic. Review status: criteria provided, multiple submitters, no conflicts (2 of 4 stars). 4 submissions from 4 submitters: Likely pathogenic (3). 1 of the submissions does not count toward it. Last evaluated 2023-05-15.

Conditions:
Epidermolysis bullosa, junctional 5A, intermediate. Also called: EPIDERMOLYSIS BULLOSA, JUNCTIONAL 5A, GENERALIZED INTERMEDIATE; EPIDERMOLYSIS BULLOSA, JUNCTIONAL 5A, NON-HERLITZ TYPE. Identifiers: MedGen C5676956, MONDO:0030768, OMIM 619816.
Epidermolysis bullosa simplex 1C, localized. Also called: Weber-Cockayne Syndrome; Epidermolysis Bullosa Simplex, Weber-Cockayne Type; EBS, ACRAL FORM; EPIDERMOLYSIS BULLOSA OF HANDS AND FEET; Localized epidermolysis bullosa simplex. Identifiers: Orphanet 79400, MedGen C0080333, MONDO:0007551, OMIM 131800.
Junctional epidermolysis bullosa, non-Herlitz type. Also called: EPIDERMOLYSIS BULLOSA, JUNCTIONAL 1A, INTERMEDIATE; COL17A1-Related Junctional Epidermolysis Bullosa; Adult junctional epidermolysis bullosa; Epidermolysis bullosa, junctional, non-herlitz type, somatic mosaic revertant; EPIDERMOLYSIS BULLOSA JUNCTIONALIS, DISENTIS TYPE; EPIDERMOLYSIS BULLOSA JUNCTIONALIS, NON-HERLITZ TYPE. Identifiers: Orphanet 251393, Orphanet 79402, Orphanet 79405, Orphanet 89840, MedGen C0268374, MONDO:0009180, OMIM 226650.
Junctional epidermolysis bullosa with pyloric atresia. Also called: EPIDERMOLYSIS BULLOSA, JUNCTIONAL 5B, WITH PYLORIC ATRESIA; ITGB4-Related Epidermolysis Bullosa with Pyloric Atresia; Junctional Epidermolysis Bullosa- Pyloric Atresia Syndrome; Epidermolysis bullosa, junctional, with pyloric atresia and aplasia cutis congenita; Epidermolysis bullosa junctionalis with pyloric atresia; APLASIA CUTIS CONGENITA WITH GASTROINTESTINAL ATRESIA. Identifiers: Orphanet 79403, MedGen C5676875, MONDO:0009183, OMIM 226730.
Deficiency of galactokinase. Also called: Galactokinase deficiency with cataracts; GALACTOSEMIA II. Identifiers: Orphanet 352, Orphanet 79237, MedGen C0268155, MONDO:0009255, OMIM 230200.

gnomAD v4.1: 11 of 1,611,898 alleles (0.00068%); highest among the groups gnomAD compares: South Asian, 0.0044%; no homozygotes.

Submissions (4):

Labcorp Genetics (formerly Invitae), Labcorp
Classification: Likely pathogenic. Last evaluated: 2023-05-15. Review status: criteria provided, single submitter. Criteria: Invitae Variant Classification Sherloc (09022015). Collection method: clinical testing. Allele origin: germline.
Comment: ClinVar contains an entry for this variant (Variation ID: 552889). This sequence change affects a donor splice site in intron 37 of the ITGB4 gene. It is expected to disrupt RNA splicing. Variants that disrupt the donor or acceptor splice site typically lead to a loss of protein function (PMID: 16199547), and loss-of-function variants in ITGB4 are known to be pathogenic (PMID: 11328943, 16473856). This variant is present in population databases (no rsID available, gnomAD 0.006%). This variant has not been reported in the literature in individuals affected with ITGB4-related conditions. In summary, the currently available evidence indicates that the variant is pathogenic, but additional data are needed to prove that conclusively. Therefore, this variant has been classified as Likely Pathogenic. Algorithms developed to predict the effect of sequence changes on RNA splicing suggest that this variant may create or strengthen a splice site.

Fulgent Genetics
Classification: Likely pathogenic for Epidermolysis bullosa simplex 1C, localized; Junctional epidermolysis bullosa, non-Herlitz type; Junctional epidermolysis bullosa with pyloric atresia. Last evaluated: 2021-06-30. Review status: criteria provided, single submitter. Criteria: ACMG Guidelines, 2015. Collection method: clinical testing. Allele origin: unknown.
Comment: This variant has been detected in individual(s) who were sent for testing of Renasight - kidney gene panel.

Arcensus
Classification: Likely pathogenic for Epidermolysis bullosa, junctional 5A, intermediate. Last evaluated: 2013-02-01. Review status: criteria provided, single submitter. Criteria: ACMG Guidelines, 2015. Collection method: clinical testing. Allele origin: germline. Affected: yes.

Counsyl
Classification: Uncertain significance for Deficiency of galactokinase. Last evaluated: 2017-07-17. Review status: no assertion criteria provided. Collection method: clinical testing. Allele origin: unknown. Not counted in ClinVar's aggregate classification.

Literature cited by the submitters: PubMed 16199547 (cited by Labcorp Genetics (formerly Invitae), Labcorp); PubMed 11328943 (cited by Labcorp Genetics (formerly Invitae), Labcorp); PubMed 16473856 (cited by Labcorp Genetics (formerly Invitae), Labcorp).